The following is an entry in ClinVar:

ClinVar aggregate classification (germline): Benign/Likely benign. Review status: criteria provided, multiple submitters, no conflicts (2 of 4 stars). 3 submissions from 3 submitters: Benign (1); Likely benign (2). Last evaluated 2025-11-23.

Conditions:
Familial cancer of breast. Also called: Hereditary breast cancer; BREAST CANCER, FAMILIAL; hereditary breast carcinoma. Identifiers: Orphanet 227535, MedGen C0346153, MONDO:0016419, OMIM 114480. Disease mechanism: loss of function.
Fanconi anemia complementation group J. Also called: BRIP1-Related Fanconi Anemia. Identifiers: Orphanet 84, MedGen C1836860, MONDO:0012187, OMIM 609054.
Hereditary cancer-predisposing syndrome. Also called: Neoplastic Syndromes, Hereditary; Tumor predisposition; Hereditary Cancer Syndrome; Hereditary neoplastic syndrome. Identifiers: Orphanet 140162, MedGen C0027672, MeSH D009386, MONDO:0015356.

Submissions (3):

Labcorp Genetics (formerly Invitae), Labcorp
Classification: Benign for Familial cancer of breast; Fanconi anemia complementation group J. Last evaluated: 2025-11-23. Review status: criteria provided, single submitter. Criteria: Invitae Variant Classification Sherloc (09022015). Collection method: clinical testing. Allele origin: germline.

Myriad Genetics, Inc.
Classification: Likely benign for Familial cancer of breast. Last evaluated: 2024-09-04. Review status: criteria provided, single submitter. Criteria: Myriad Autosomal Dominant, Autosomal Recessive and X-Linked Classification Criteria (2023). Collection method: clinical testing. Allele origin: unknown.
Comment: This variant is considered likely benign. This variant is intronic and is not expected to impact mRNA splicing.

Color Diagnostics, LLC DBA Color Health
Classification: Likely benign for Hereditary cancer-predisposing syndrome. Last evaluated: 2023-08-28. Review status: criteria provided, single submitter. Criteria: ACMG Guidelines, 2015. Collection method: clinical testing. Allele origin: germline.

NM_032043.3(BRIP1):c.2258-13dup

Gene: BRIP1 (BRCA1 interacting DNA helicase 1; minus strand). Cytogenetic location: 17q23.2.
Variant type: Duplication.
Coding change: c.2258-13dup on transcript NM_032043.3 (MANE Select); 13 bases into the intron before coding-DNA position 2258, one base duplicated (T; older notation c.2258-13dupT).
Molecular consequence: intron variant.
Genome position (GRCh38, 1-based): chr17:61,743,147, A duplicated on the plus strand (T on the coding strand, the reverse complement: BRIP1 is on the minus strand); the first of 6 consecutive A bases (chr17:61,743,147-61,743,152); duplicating any one gives the same sequence. VCF-style (leftmost placement, unchanged base first): chr17-61743146-G-GA. GRCh37 (hg19) VCF-style: chr17-59820507-G-GA.
Identifiers: ClinVar variation 1570620 (VCV001570620.12), dbSNP rs2144680932, ClinGen allele CA2573154307.